The following is an entry in ClinVar:

NM_000384.3(APOB):c.10874A>G (p.Asn3625Ser)

Gene: APOB (apolipoprotein B; minus strand). Cytogenetic location: 2p24.1.
Variant type: single nucleotide variant.
Coding change: c.10874A>G on transcript NM_000384.3 (MANE Select); coding-DNA position 10874, A replaced by G.
Protein change: p.Asn3625Ser; replaces asparagine 3625 with serine.
Molecular consequence: missense variant.
Genome position (GRCh38, 1-based): chr2:21,005,994, T>C on the plus strand (A>G on the coding strand, the complement: APOB is on the minus strand). VCF-style: chr2-21005994-T-C. GRCh37 (hg19) VCF-style: chr2-21228866-T-C.
Other names: short protein forms N3625S.
Identifiers: ClinVar variation 928636 (VCV000928636.1), dbSNP rs1663126182, ClinGen allele CA345984793.

ClinVar aggregate classification (germline): Uncertain significance (1 of 4 stars; one submission).

Allele frequency attached by ClinVar (database versions not stated): gnomAD exomes below 0.00001; TOPMed below 0.00001.

Submission:

Women's Health and Genetics/Laboratory Corporation of America, LabCorp
Classification: Uncertain significance. Last evaluated: 2019-10-15. Review status: criteria provided, single submitter. Criteria: LabCorp Variant Classification Summary - May 2015. Collection method: clinical testing. Allele origin: germline.
Comment: Variant summary: APOB c.10874A>G (p.Asn3625Ser) results in a conservative amino acid change in the encoded protein sequence. Five of five in-silico tools predict a benign effect of the variant on protein function. The variant was absent in 250952 control chromosomes (gnomAD). The available data on variant occurrences in the general population are insufficient to allow any conclusion about variant significance. To our knowledge, no occurrence of c.10874A>G in individuals affected with Familial Defective Apolipoprotein B-100 and no experimental evidence demonstrating an impact on protein function have been reported. No clinical diagnostic laboratories have submitted clinical-significance assessments for this variant to ClinVar after 2014. Based on the evidence outlined above, the variant was classified as uncertain significance.